The following is an entry in ClinVar:

ClinVar aggregate classification (germline): Conflicting classifications of pathogenicity. Review status: criteria provided, conflicting classifications (1 of 4 stars). 4 submissions from 4 submitters: Uncertain significance (1); Likely benign (3). Last evaluated 2025-11-26.

Conditions:
Shprintzen-Goldberg syndrome (SGS). Also called: Marfanoid disorder with craniosynostosis type 1; Marfanoid craniosynostosis syndrome; Shprintzen-Goldberg marfanoid syndrome; SHPRINTZEN-GOLDBERG CRANIOSYNOSTOSIS SYNDROME; CRANIOSYNOSTOSIS WITH ARACHNODACTYLY AND ABDOMINAL HERNIAS. Identifiers: Orphanet 2462, MedGen C1321551, MONDO:0008426, OMIM 182212.
Familial thoracic aortic aneurysm and aortic dissection (TAAD). Also called: Thoracic aortic aneurysms and dissections. Identifiers: Orphanet 91387, MedGen C4707243, MONDO:0019625.

Allele frequency attached by ClinVar (database versions not stated): ExAC 0.00005; TOPMed 0.00001; gnomAD 0.00002.
gnomAD v4.1: 40 of 1,613,492 alleles (0.0025%); highest among the groups gnomAD compares: Non-Finnish European, 0.0034%; 1 homozygote.

Submissions (4):

Labcorp Genetics (formerly Invitae), Labcorp
Classification: Likely benign for Shprintzen-Goldberg syndrome. Last evaluated: 2025-11-26. Review status: criteria provided, single submitter. Criteria: Invitae Variant Classification Sherloc (09022015). Collection method: clinical testing. Allele origin: germline.

GeneDx
Classification: Uncertain significance. Last evaluated: 2023-04-21. Review status: criteria provided, single submitter. Criteria: GeneDx Variant Classification Process June 2021. Collection method: clinical testing. Allele origin: germline. Affected: yes.
Comment: In silico analysis supports that this missense variant does not alter protein structure/function; Reported as a variant of uncertain significance in an individual with autoinflammation and vasculitis, who was heterozygous for variants in other genes (Omoyinmi et al., 2017); This variant is associated with the following publications: (PMID: 28750028)

Ambry Genetics
Classification: Likely benign for Familial thoracic aortic aneurysm and aortic dissection. Last evaluated: 2022-03-23. Review status: criteria provided, single submitter. Criteria: Ambry Variant Classification Scheme 2023. Collection method: clinical testing. Allele origin: germline.

Victorian Clinical Genetics Services, Murdoch Childrens Research Institute
Classification: Likely benign for Shprintzen-Goldberg syndrome. Last evaluated: 2020-06-11. Review status: criteria provided, single submitter. Criteria: ACMG Guidelines, 2015. Collection method: clinical testing. Allele origin: germline. Inheritance: Autosomal dominant inheritance.
Comment: Based on the classification scheme VCGS_Germline_v1.1.1, this variant is classified as likely benign. Following criteria are met: 0102 - Loss of function is a known mechanism of disease for this gene. (N) 0107 - This gene is known to be associated with autosomal dominant disease. (N) 0200 - Variant is predicted to result in a missense amino acid change from proline to serine (exon 2). (N) 0251 - Variant is heterozygous. (N) 0302 - Variant is present in gnomAD <0.001 for a dominant condition (12 heterozygotes, 0 homozygotes). (P) 0309 - Alternative amino acid changes at the same position has been observed in gnomAD: p.(Pro329Ala) at 0.0004% (1 heterozygote, 0 homozygotes) and p.(Pro329Leu) at 0.001% (3 heterozygotes, 0 homozygotes). (N) 0502 - Missense variant with conflicting in silico predictions and/or uninformative conservation. (N) 0604 - Variant is not located in an established domain, motif, hotspot or informative constraint region. (N) 0708 - Comparable variants have uncertain previous evidence for pathogenicity. p.(Pro329Leu) has one VUS entry in ClinVar related to Shprintzen-Goldberg syndrome. (N) 0808 - Previous reports of pathogenicity are conflicting. This variant has not been previously report in an aortopathy context, however, it has been classified as a VUS in a patient with an autoinflammatory disorder (PMID: 28750028). (N) 0905 - No segregation evidence has been identified for this variant. (N) 1007 - No published functional evidence has been identified for this variant. (N) 1208 - Inheritance information for this variant is not currently available. (N) Legend: (P) - Pathogenic, (N) - Neutral, (B) - Benign

Literature cited by the submitters: PubMed 28750028 (cited by Ambry Genetics and Victorian Clinical Genetics Services, Murdoch Childrens Research Institute).

NM_003036.4(SKI):c.985C>T (p.Pro329Ser)

Gene: SKI (SKI proto-oncogene; plus strand). Cytogenetic location: 1p36.32.
Variant type: single nucleotide variant.
Coding change: c.985C>T on transcript NM_003036.4 (MANE Select); coding-DNA position 985, C replaced by T.
Protein change: p.Pro329Ser; replaces proline 329 with serine.
Molecular consequence: missense variant.
Genome position (GRCh38, 1-based): chr1:2,302,993, C>T. VCF-style: chr1-2302993-C-T. GRCh37 (hg19) VCF-style: chr1-2234432-C-T.
Other names: short protein forms P329S.
Identifiers: ClinVar variation 1035726 (VCV001035726.13), dbSNP rs770539313, ClinGen allele CA536522.